The following is an entry in ClinVar:

ClinVar aggregate classification (germline): Uncertain significance (1 of 4 stars; one submission).

Allele frequency attached by ClinVar (database versions not stated): ESP Exome Variant Server 0.00008; TOPMed below 0.00001; gnomAD exomes 0.00001.
gnomAD v4.1: 13 of 1,613,514 alleles (0.00081%); highest among the groups gnomAD compares: East Asian, 0.0022%; no homozygotes.

Submission:

Labcorp Genetics (formerly Invitae), Labcorp
Classification: Uncertain significance. Last evaluated: 2024-12-03. Review status: criteria provided, single submitter. Criteria: Invitae Variant Classification Sherloc (09022015). Collection method: clinical testing. Allele origin: germline.
Comment: This sequence change replaces valine, which is neutral and non-polar, with isoleucine, which is neutral and non-polar, at codon 2727 of the PCLO protein (p.Val2727Ile). This variant is not present in population databases (gnomAD no frequency). This variant has not been reported in the literature in individuals affected with PCLO-related conditions. ClinVar contains an entry for this variant (Variation ID: 1409705). An algorithm developed to predict the effect of missense changes on protein structure and function outputs the following: PolyPhen-2: "Not Available". The isoleucine amino acid residue is found in multiple mammalian species, which suggests that this missense change does not adversely affect protein function. In summary, the available evidence is currently insufficient to determine the role of this variant in disease. Therefore, it has been classified as a Variant of Uncertain Significance.

NM_033026.6(PCLO):c.8179G>A (p.Val2727Ile)

Gene: PCLO (piccolo presynaptic cytomatrix protein; minus strand). Cytogenetic location: 7q21.11.
Variant type: single nucleotide variant.
Coding change: c.8179G>A on transcript NM_033026.6 (MANE Select); coding-DNA position 8179, G replaced by A.
Protein change: p.Val2727Ile; replaces valine 2727 with isoleucine.
Molecular consequence: missense variant.
Genome position (GRCh38, 1-based): chr7:82,952,774, C>T on the plus strand (G>A on the coding strand, the complement: PCLO is on the minus strand). VCF-style: chr7-82952774-C-T. GRCh37 (hg19) VCF-style: chr7-82582090-C-T.
Other names: c.8179G>A, p.Val2727Ile (NM_014510.3); short protein forms V2727I.
Identifiers: ClinVar variation 1409705 (VCV001409705.6), dbSNP rs374556751, ClinGen allele CA161145544.
Genomic context (GRCh38, chr7:82,952,774, plus strand): 5'-GATCAATACATTTATCAGTTGTTTTAACTTCTACCTTTGGTACTGTACGCAAATCAATTA[C>T]ATCACCAACAAGTTGCAATTTTCCATCTTCTTTATACTGAGGCTTCTCTAAATGTATGTT-3'
Protein context (NP_149015.2, residues 2717-2737): EDGKLQLVGD[Val2727Ile]IDLRTVPKVE